The following is an entry in ClinVar:

ClinVar aggregate classification (germline): Uncertain significance. Review status: criteria provided, multiple submitters, no conflicts (2 of 4 stars). 2 submissions from 2 submitters: Uncertain significance (2). Last evaluated 2026-01-07.

Conditions:
MYH6-related disorder. Also called: MYH6-Related Disorders; MYH6-related condition.

Submissions (2):

PreventionGenetics, part of Exact Sciences
Classification: Uncertain significance for MYH6-related condition. Last evaluated: 2026-01-07. Review status: criteria provided, single submitter. Criteria: ACMG Guidelines, 2015. Collection method: clinical testing. Allele origin: germline.
Comment: The MYH6 c.2349delG variant is predicted to result in a frameshift and premature protein termination (p.Ser784Alafs*23). To our knowledge, this variant has not been reported in the literature. This variant is reported in 0.0065% of alleles in individuals of European (Non-Finnish) descent in gnomAD. Loss-of-function is not an established mechanism of MYH6-related disease. At this time, the clinical significance of this variant is uncertain due to the absence of conclusive functional and genetic evidence.

GeneDx
Classification: Uncertain significance. Last evaluated: 2025-07-24. Review status: criteria provided, single submitter. Criteria: GeneDx Variant Classification Process June 2021. Collection method: clinical testing. Allele origin: germline. Affected: yes.
Comment: Frameshift variant predicted to result in protein truncation or nonsense mediated decay in a gene or region of a gene for which loss of function is not a well-established mechanism of disease; Not observed at significant frequency in large population cohorts (gnomAD); Has not been previously published as pathogenic or benign to our knowledge

NM_002471.4(MYH6):c.2349del (p.Ser784fs)

Gene: MYH6 (myosin heavy chain 6; minus strand). Cytogenetic location: 14q11.2.
Variant type: Deletion.
Coding change: c.2349del on transcript NM_002471.4 (MANE Select); coding-DNA position 2349, one base deleted (G; older notation c.2349delG).
Protein change: p.Ser784fs; shifts the reading frame from serine 784.
Molecular consequence: frameshift variant.
Genome position (GRCh38, 1-based): chr14:23,396,364, C deleted on the plus strand (G on the coding strand, the reverse complement: MYH6 is on the minus strand). VCF-style (leftmost placement, unchanged base first): chr14-23396363-TC-T. GRCh37 (hg19) VCF-style: chr14-23865572-TC-T.
Other names: short protein forms S784fs.
Identifiers: ClinVar variation 4687063 (VCV004687063.2).